The following is an entry in ClinVar:

NM_014009.4(FOXP3):c.229G>C (p.Val77Leu)

Gene: FOXP3 (forkhead box P3; minus strand). Cytogenetic location: Xp11.23.
Variant type: single nucleotide variant.
Coding change: c.229G>C on transcript NM_014009.4 (MANE Select); coding-DNA position 229, G replaced by C.
Protein change: p.Val77Leu; replaces valine 77 with leucine.
Molecular consequence: missense variant. On other transcripts: intron variant (1).
Genome position (GRCh38, 1-based): chrX:49,257,750, C>G on the plus strand (G>C on the coding strand, the complement: FOXP3 is on the minus strand). VCF-style: chrX-49257750-C-G. GRCh37 (hg19) VCF-style: chrX-49114207-C-G.
Other names: c.211-185G>C (NM_001114377.2); short protein forms V77L.
Identifiers: ClinVar variation 2745216 (VCV002745216.3), dbSNP rs2519195871, ClinGen allele CA412953636.
Genomic context (GRCh38, chrX:49,257,750, plus strand): 5'-GGAGGAGTGCCTGTAAGTGGGGCAAGGGGCCCAGCCGTGCCCCGGAGGGTGCCACCATGA[C>G]TAGGGGCAGTGTGGGCAGCTGGGCAGAAAGGCAGGTGGGTGAGAGGCCATCCTGATCCTC-3'
Protein context (NP_054728.2, residues 67-87): SQLQLPTLPL[Val77Leu]MVAPSGARLG

ClinVar aggregate classification (germline): Uncertain significance (1 of 4 stars; one submission).

Conditions:
Insulin-dependent diabetes mellitus secretory diarrhea syndrome (IPEX). Also called: Immune dysregulation-polyendocrinopathy-enteropathy-X-linked syndrome; Immunodysregulation, polyendocrinopathy, and enteropathy, X-linked; Immunodeficiency, Polyendocrinopathy, and Enteropathy X-Linked Syndrome; X-Linked Syndrome of Polyendocrinopathy, Immune Dysfunction, and Diarrhea; IPEX and IPEX-Like; DIABETES MELLITUS, CONGENITAL INSULIN-DEPENDENT, WITH FATAL SECRETORY DIARRHEA. Identifiers: Orphanet 37042, MedGen C0342288, MONDO:0010580, OMIM 304790. Disease mechanism: loss of function.

Submission:

Labcorp Genetics (formerly Invitae), Labcorp
Classification: Uncertain significance for Insulin-dependent diabetes mellitus secretory diarrhea syndrome. Last evaluated: 2024-10-22. Review status: criteria provided, single submitter. Criteria: Invitae Variant Classification Sherloc (09022015). Collection method: clinical testing. Allele origin: germline.
Comment: This sequence change replaces valine, which is neutral and non-polar, with leucine, which is neutral and non-polar, at codon 77 of the FOXP3 protein (p.Val77Leu). This variant is not present in population databases (gnomAD no frequency). This variant has not been reported in the literature in individuals affected with FOXP3-related conditions. Invitae Evidence Modeling of protein sequence and biophysical properties (such as structural, functional, and spatial information, amino acid conservation, physicochemical variation, residue mobility, and thermodynamic stability) indicates that this missense variant is not expected to disrupt FOXP3 protein function with a negative predictive value of 80%. In summary, the available evidence is currently insufficient to determine the role of this variant in disease. Therefore, it has been classified as a Variant of Uncertain Significance.